The following is an entry in ClinVar:

ClinVar aggregate classification (germline): Likely pathogenic. Review status: criteria provided, multiple submitters, no conflicts (2 of 4 stars). 3 submissions from 3 submitters: Likely pathogenic (3). Last evaluated 2026-07-17.

Conditions:
Hereditary cancer-predisposing syndrome. Also called: Tumor predisposition; Hereditary neoplastic syndrome; Neoplastic Syndromes, Hereditary; Hereditary Cancer Syndrome. Identifiers: Orphanet 140162, MedGen C0027672, MeSH D009386, MONDO:0015356.
Familial cancer of breast. Also called: Hereditary breast cancer; hereditary breast carcinoma; BREAST CANCER, FAMILIAL. Identifiers: Orphanet 227535, MedGen C0346153, MONDO:0016419, OMIM 114480. Disease mechanism: loss of function.

Submissions (3):

Ambry Genetics
Classification: Likely pathogenic for Hereditary cancer-predisposing syndrome. Last evaluated: 2026-07-17. Review status: criteria provided, single submitter. Criteria: Ambry Variant Classification Scheme 2023. Collection method: clinical testing. Allele origin: germline.
Comment: The c.3113+1G>A intronic variant results from a G to A substitution one nucleotide after coding exon 10 of the PALB2 gene. This variant is considered to be rare based on population cohorts in the Genome Aggregation Database (gnomAD). This nucleotide position is highly conserved in available vertebrate species. In silico splice site analysis predicts that this alteration will weaken the native splice donor site. Alterations that disrupt the canonical splice site are expected to cause aberrant splicing, resulting in an abnormal protein or a transcript that is subject to nonsense-mediated mRNA decay; however, direct evidence is insufficient at this time (Ambry internal data). As such, this alteration is classified as likely pathogenic.

Labcorp Genetics (formerly Invitae), Labcorp
Classification: Likely pathogenic for Familial cancer of breast. Last evaluated: 2025-05-05. Review status: criteria provided, single submitter. Criteria: Invitae Variant Classification Sherloc (09022015). Collection method: clinical testing. Allele origin: germline.
Comment: This sequence change affects a donor splice site in intron 10 of the PALB2 gene. It is expected to disrupt RNA splicing. Variants that disrupt the donor or acceptor splice site typically lead to a loss of protein function (PMID: 16199547), and loss-of-function variants in PALB2 are known to be pathogenic (PMID: 17200668, 17200671, 17200672, 24136930, 25099575). This variant is not present in population databases (gnomAD no frequency). This variant has not been reported in the literature in individuals affected with PALB2-related conditions. ClinVar contains an entry for this variant (Variation ID: 822928). Algorithms developed to predict the effect of sequence changes on RNA splicing suggest that this variant may disrupt the consensus splice site. In summary, the currently available evidence indicates that the variant is pathogenic, but additional data are needed to prove that conclusively. Therefore, this variant has been classified as Likely Pathogenic.

Myriad Genetics, Inc.
Classification: Likely pathogenic for Familial cancer of breast. Last evaluated: 2023-09-14. Review status: criteria provided, single submitter. Criteria: Myriad Autosomal Dominant, Autosomal Recessive and X-Linked Classification Criteria (2023). Collection method: clinical testing. Allele origin: unknown.
Comment: This variant is considered likely pathogenic. This variant occurs within a consensus splice junction and is predicted to result in abnormal mRNA splicing of either an out-of-frame exon or an in-frame exon necessary for protein stability and/or normal function.

Literature cited by the submitters: PubMed 16199547 (cited by Labcorp Genetics (formerly Invitae), Labcorp); PubMed 17200668 (cited by Labcorp Genetics (formerly Invitae), Labcorp); PubMed 17200671 (cited by Labcorp Genetics (formerly Invitae), Labcorp); PubMed 17200672 (cited by Labcorp Genetics (formerly Invitae), Labcorp); PubMed 24136930 (cited by Labcorp Genetics (formerly Invitae), Labcorp); PubMed 25099575 (cited by Labcorp Genetics (formerly Invitae), Labcorp).

NM_024675.4(PALB2):c.3113+1G>A

Gene: PALB2 (partner and localizer of BRCA2; minus strand). Cytogenetic location: 16p12.2.
Variant type: single nucleotide variant.
Coding change: c.3113+1G>A on transcript NM_024675.4 (MANE Select); the canonical splice donor site of the intron after coding-DNA position 3113, G replaced by A.
Molecular consequence: splice donor variant. On other transcripts: intron variant (1).
Genome position (GRCh38, 1-based): chr16:23,621,361, C>T on the plus strand (G>A on the coding strand, the complement: PALB2 is on the minus strand). VCF-style: chr16-23621361-C-T. GRCh37 (hg19) VCF-style: chr16-23632682-C-T.
Other names: c.2228+1G>A (NM_001407308.1, NM_001407306.1, NM_001407309.1 and 4 more transcripts); c.647+1G>A (NM_001407314.1); c.1325+1G>A (NM_001407313.1, NM_001407312.1); c.3053+1G>A (NM_001407296.1); c.3041+1G>A (NM_001407297.1); c.2951+1G>A (NM_001407302.1, NM_001407298.1); c.2834+2648G>A (NM_001407300.1); c.3113+1G>A (NM_001407299.1, NM_001407301.1); and 1 more.
Identifiers: ClinVar variation 822928 (VCV000822928.11), dbSNP rs1597079557, ClinGen allele CA395142752.